The following is an entry in ClinVar:

ClinVar aggregate classification (germline): Uncertain significance (1 of 4 stars; one submission).

gnomAD v4.1: 5 of 1,613,880 alleles (0.00031%); highest among the groups gnomAD compares: East Asian, 0.0067%; no homozygotes.

Submission:

Labcorp Genetics (formerly Invitae), Labcorp
Classification: Uncertain significance. Last evaluated: 2024-12-18. Review status: criteria provided, single submitter. Criteria: Invitae Variant Classification Sherloc (09022015). Collection method: clinical testing. Allele origin: germline.
Comment: This sequence change replaces valine, which is neutral and non-polar, with leucine, which is neutral and non-polar, at codon 134 of the LONP1 protein (p.Val134Leu). This variant is present in population databases (rs199752759, gnomAD 0.006%). This variant has not been reported in the literature in individuals affected with LONP1-related conditions. Invitae Evidence Modeling of protein sequence and biophysical properties (such as structural, functional, and spatial information, amino acid conservation, physicochemical variation, residue mobility, and thermodynamic stability) indicates that this missense variant is not expected to disrupt LONP1 protein function with a negative predictive value of 95%. In summary, the available evidence is currently insufficient to determine the role of this variant in disease. Therefore, it has been classified as a Variant of Uncertain Significance.

NM_004793.4(LONP1):c.400G>C (p.Val134Leu)

Gene: LONP1 (lon peptidase 1, mitochondrial; minus strand). Cytogenetic location: 19p13.3.
Variant type: single nucleotide variant.
Coding change: c.400G>C on transcript NM_004793.4 (MANE Select); coding-DNA position 400, G replaced by C.
Protein change: p.Val134Leu; replaces valine 134 with leucine.
Molecular consequence: missense variant. On other transcripts: non-coding transcript variant (1), intron variant (1).
Genome position (GRCh38, 1-based): chr19:5,719,733, C>G on the plus strand (G>C on the coding strand, the complement: LONP1 is on the minus strand). VCF-style: chr19-5719733-C-G. GRCh37 (hg19) VCF-style: chr19-5719744-C-G.
Other names: c.208G>C, p.Val70Leu (NM_001276479.2); c.-160+486G>C (NM_001276480.1); short protein forms V134L, V70L.
Identifiers: ClinVar variation 3713711 (VCV003713711.2).